The following is an entry in ClinVar:

ClinVar aggregate classification (germline): Pathogenic (1 of 4 stars; one submission).

Conditions:
Primary ciliary dyskinesia. Also called: Ciliary dyskinesia. Identifiers: Orphanet 244, MedGen C0008780, MONDO:0016575, HP:0012265.

Submission:

Labcorp Genetics (formerly Invitae), Labcorp
Classification: Pathogenic for Primary ciliary dyskinesia. Last evaluated: 2025-09-04. Review status: criteria provided, single submitter. Criteria: Invitae Variant Classification Sherloc (09022015). Collection method: clinical testing. Allele origin: germline.
Comment: This sequence change creates a premature translational stop signal (p.Gln2251*) in the DNAH8 gene. It is expected to result in an absent or disrupted protein product. Loss-of-function variants in DNAH8 are known to be pathogenic (PMID: 24307375, 32619401, 32681648). This variant is not present in population databases (gnomAD no frequency). This variant has not been reported in the literature in individuals affected with DNAH8-related conditions. Algorithms developed to predict the effect of sequence changes on RNA splicing suggest that this variant may disrupt the consensus splice site. For these reasons, this variant has been classified as Pathogenic.

Literature cited by the submitters: PubMed 24307375; PubMed 32619401; PubMed 32681648.

NM_001206927.2(DNAH8):c.6751C>T (p.Gln2251Ter)

Gene: DNAH8 (dynein axonemal heavy chain 8; plus strand). Cytogenetic location: 6p21.2.
Variant type: single nucleotide variant.
Coding change: c.6751C>T on transcript NM_001206927.2 (MANE Select); coding-DNA position 6751, C replaced by T.
Protein change: p.Gln2251Ter; replaces glutamine 2251 with a stop codon.
Molecular consequence: nonsense.
Genome position (GRCh38, 1-based): chr6:38,868,119, C>T. VCF-style: chr6-38868119-C-T. GRCh37 (hg19) VCF-style: chr6-38835895-C-T.
Other names: c.6100C>T, p.Gln2034Ter (NM_001371.4); short protein forms Q2034*, Q2251*.
Identifiers: ClinVar variation 4726631 (VCV004726631.1).
Genomic context (GRCh38, chr6:38,868,119, plus strand): 5'-CAGGTTCATTATGACTTTGGATTGAGAAATATTCTGTCTGTATTGAGGACTCTTGGATCT[C>T]AAAAAAGAGCCAGACCAGAAGATAGTGAATTAAGCATTGTCATGAGAGGACTAAGAGATA-3'